The following is an entry in ClinVar:

NM_001367624.2(ZNF469):c.602C>T (p.Ala201Val)

Gene: ZNF469 (zinc finger protein 469; plus strand). Cytogenetic location: 16q24.2.
Variant type: single nucleotide variant.
Coding change: c.602C>T on transcript NM_001367624.2 (MANE Select); coding-DNA position 602, C replaced by T.
Protein change: p.Ala201Val; replaces alanine 201 with valine.
Molecular consequence: missense variant.
Genome position (GRCh38, 1-based): chr16:88,428,072, C>T. VCF-style: chr16-88428072-C-T. GRCh37 (hg19) VCF-style: chr16-88494480-C-T.
Other names: NM_001127464.1:c.602C>T; short protein forms A201V.
Identifiers: ClinVar variation 2197571 (VCV002197571.3), dbSNP rs1181314517, ClinGen allele CA397061069.

ClinVar aggregate classification (germline): Uncertain significance. Review status: criteria provided, multiple submitters, no conflicts (2 of 4 stars). 2 submissions from 2 submitters: Uncertain significance (2). Last evaluated 2023-04-22.

Conditions:
Cardiovascular phenotype. Identifiers: MedGen CN230736.

Allele frequency attached by ClinVar (database versions not stated): gnomAD exomes below 0.00001; gnomAD 0.00001; TOPMed 0.00003.

Submissions (2):

Ambry Genetics
Classification: Uncertain significance for Cardiovascular phenotype. Last evaluated: 2023-04-22. Review status: criteria provided, single submitter. Criteria: Ambry Variant Classification Scheme 2023. Collection method: clinical testing. Allele origin: germline.
Comment: The p.A201V variant (also known as c.602C>T), located in coding exon 1 of the ZNF469 gene, results from a C to T substitution at nucleotide position 602. The alanine at codon 201 is replaced by valine, an amino acid with similar properties. This amino acid position is conserved. In addition, this alteration is predicted to be tolerated by in silico analysis. Since supporting evidence is limited at this time, the clinical significance of this alteration remains unclear.

Labcorp Genetics (formerly Invitae), Labcorp
Classification: Uncertain significance. Last evaluated: 2022-05-12. Review status: criteria provided, single submitter. Criteria: Invitae Variant Classification Sherloc (09022015). Collection method: clinical testing. Allele origin: germline.
Comment: This sequence change replaces alanine, which is neutral and non-polar, with valine, which is neutral and non-polar, at codon 201 of the ZNF469 protein (p.Ala201Val). This variant is present in population databases (no rsID available, gnomAD no frequency). This variant has not been reported in the literature in individuals affected with ZNF469-related conditions. Algorithms developed to predict the effect of missense changes on protein structure and function (SIFT, PolyPhen-2, Align-GVGD) all suggest that this variant is likely to be tolerated. In summary, the available evidence is currently insufficient to determine the role of this variant in disease. Therefore, it has been classified as a Variant of Uncertain Significance.